The following is an entry in ClinVar:

ClinVar aggregate classification (germline): Likely pathogenic (0 of 4 stars; one submission).

Conditions:
Microphthalmia, isolated, with coloboma 7 (MCOPCB7). Also called: ocular coloboma; MICROPHTHALMIA/COLOBOMA 7. Identifiers: Orphanet 98938, MedGen C3281027, MONDO:0013783, OMIM 614497.

Submission:

Molecular and genetics lab, Royan Institute
Classification: Likely pathogenic for Microphthalmia, isolated, with coloboma 7. Last evaluated: 2025-08-26. Review status: no assertion criteria provided. Collection method: clinical testing. Allele origin: germline. Inheritance: Autosomal dominant inheritance. Affected: yes. Observed: 3 variant alleles, 3 heterozygotes. Clinical features observed: Breast carcinoma (HP:0003002).

Literature cited by the submitters: PubMed 8969824.

NM_005689.4(ABCB6):c.1348C>T (p.Arg450Trp)

Gene: ABCB6 (ATP binding cassette subfamily B member 6 (LAN blood group); minus strand). Cytogenetic location: 2q35.
Variant type: single nucleotide variant.
Coding change: c.1348C>T on transcript NM_005689.4 (MANE Select); coding-DNA position 1348, C replaced by T.
Protein change: p.Arg450Trp; replaces arginine 450 with tryptophan.
Molecular consequence: missense variant.
Genome position (GRCh38, 1-based): chr2:219,214,427, G>A on the plus strand (C>T on the coding strand, the complement: ABCB6 is on the minus strand). VCF-style: chr2-219214427-G-A. GRCh37 (hg19) VCF-style: chr2-220079149-G-A.
Other names: c.1210C>T, p.Arg404Trp (NM_001349828.2); short protein forms R404W, R450W.
Identifiers: ClinVar variation 4086262 (VCV004086262.1).
Genomic context (GRCh38, chr2:219,214,427, plus strand): 5'-CTGCCACCGGGCCCTCTGTTACCGTCTCGAAGTTTAGCAGAGAGTCCACTGCTCGTGCCC[G>A]GGTAGCGTTCTCCTGTGTGTTCATAGCACGACGAAACTTGGTTCTCCACTCAGTGACCAC-3'
Protein context (NP_005680.1, residues 440-460): RAMNTQENAT[Arg450Trp]ARAVDSLLNF